The following is an entry in ClinVar:

ClinVar aggregate classification (germline): Likely benign (0 of 4 stars; one submission).

Conditions:
UROC1-related disorder. Also called: UROC1-related condition.

Allele frequency attached by ClinVar (database versions not stated): gnomAD 0.00001; TOPMed 0.00002; gnomAD exomes 0.00003; ExAC 0.00005.
gnomAD v4.1: 47 of 1,613,662 alleles (0.0029%); highest among the groups gnomAD compares: South Asian, 0.037%; no homozygotes.

Submission:

PreventionGenetics, part of Exact Sciences
Classification: Likely benign for UROC1-related condition. Last evaluated: 2019-04-25. Review status: no assertion criteria provided. Collection method: clinical testing. Allele origin: germline.
Comment: This variant is classified as likely benign based on ACMG/AMP sequence variant interpretation guidelines (Richards et al. 2015 PMID: 25741868, with internal and published modifications).

NM_144639.3(UROC1):c.1812A>G (p.Gly604=)

Gene: UROC1 (urocanate hydratase 1; minus strand). Cytogenetic location: 3q21.3.
Variant type: single nucleotide variant.
Coding change: c.1812A>G on transcript NM_144639.3 (MANE Select); coding-DNA position 1812, A replaced by G.
Protein change: p.Gly604=; no amino-acid change (glycine 604 retained).
Molecular consequence: synonymous variant.
Genome position (GRCh38, 1-based): chr3:126,483,447, T>C on the plus strand (A>G on the coding strand, the complement: UROC1 is on the minus strand). VCF-style: chr3-126483447-T-C. GRCh37 (hg19) VCF-style: chr3-126202290-T-C.
Other names: c.1992A>G, p.Gly664= (NM_001165974.2).
Identifiers: ClinVar variation 3046548 (VCV003046548.2), dbSNP rs772674470, ClinGen allele CA2590842.